The following is an entry in ClinVar:

NM_001199753.2(CPT1C):c.1450-2A>C

Gene: CPT1C (carnitine palmitoyltransferase 1C; plus strand). Cytogenetic location: 19q13.33.
Variant type: single nucleotide variant.
Coding change: c.1450-2A>C on transcript NM_001199753.2 (MANE Select); the canonical splice acceptor site of the intron before coding-DNA position 1450, A replaced by C.
Molecular consequence: splice acceptor variant.
Genome position (GRCh38, 1-based): chr19:49,708,721, A>C. VCF-style: chr19-49708721-A-C. GRCh37 (hg19) VCF-style: chr19-50211978-A-C.
Other names: c.1516-2A>C (NM_001378482.1); c.1417-2A>C (NM_001136052.3, NM_001378487.1, NM_001378485.1); c.1450-2A>C (NM_152359.3, NM_001378484.1, NM_001378483.1 and 3 more transcripts).
Identifiers: ClinVar variation 3700548 (VCV003700548.2).
Genomic context (GRCh38, chr19:49,708,721, plus strand): 5'-CGGGTTAGATGGCCTCAGTCCACAGGGAGGAAGGGACTCTAACAGCCTCTGTTTGCCCAC[A>C]GTTCACTCTGGCTACAGAATGCTTTCAGCTGGGCTACTCAACAGACGGCCACTGCAAGGG-3'

ClinVar aggregate classification (germline): Likely pathogenic (1 of 4 stars; one submission).

Conditions:
Hereditary spastic paraplegia 73. Also called: Spastic paraplegia 73, autosomal dominant. Identifiers: Orphanet 444099, MedGen C5568981, MONDO:0014568, OMIM 616282.

Submission:

Labcorp Genetics (formerly Invitae), Labcorp
Classification: Likely pathogenic for Hereditary spastic paraplegia 73. Last evaluated: 2024-08-31. Review status: criteria provided, single submitter. Criteria: Invitae Variant Classification Sherloc (09022015). Collection method: clinical testing. Allele origin: germline.
Comment: This sequence change affects an acceptor splice site in intron 13 of the CPT1C gene. It is expected to disrupt RNA splicing. Variants that disrupt the donor or acceptor splice site typically lead to a loss of protein function (PMID: 16199547), and loss-of-function variants in CPT1C are known to be pathogenic (PMID: 30564185, 30911584). This variant is not present in population databases (gnomAD no frequency). This variant has not been reported in the literature in individuals affected with CPT1C-related conditions. Algorithms developed to predict the effect of sequence changes on RNA splicing suggest that this variant may disrupt the consensus splice site. In summary, the currently available evidence indicates that the variant is pathogenic, but additional data are needed to prove that conclusively. Therefore, this variant has been classified as Likely Pathogenic.

Literature cited by the submitters: PubMed 16199547; PubMed 30564185; PubMed 30911584.